The following is an entry in ClinVar:

NM_001025603.2(RFX5):c.833A>T (p.His278Leu)

Gene: RFX5 (regulatory factor X5; minus strand). Cytogenetic location: 1q21.3.
Variant type: single nucleotide variant.
Coding change: c.833A>T on transcript NM_001025603.2 (MANE Select); coding-DNA position 833, A replaced by T.
Protein change: p.His278Leu; replaces histidine 278 with leucine.
Molecular consequence: missense variant.
Genome position (GRCh38, 1-based): chr1:151,343,367, T>A on the plus strand (A>T on the coding strand, the complement: RFX5 is on the minus strand). VCF-style: chr1-151343367-T-A. GRCh37 (hg19) VCF-style: chr1-151315843-T-A.
Other names: c.833A>T, p.His278Leu (NM_000449.4, NM_001379412.1, NM_001379413.1 and 5 more transcripts); c.713A>T, p.His238Leu (NM_001379419.1, NM_001379420.1); short protein forms H278L, H238L.
Identifiers: ClinVar variation 839354 (VCV000839354.8), dbSNP rs769764756, ClinGen allele CA1089740.

ClinVar aggregate classification (germline): Uncertain significance. Review status: criteria provided, multiple submitters, no conflicts (2 of 4 stars). 3 submissions from 3 submitters: Uncertain significance (3). Last evaluated 2024-12-16.

Conditions:
MHC class II deficiency. Also called: BLS, TYPE II; Bare lymphocyte syndrome 2. Identifiers: Orphanet 572, MedGen C5447452, MONDO:0008855.

Allele frequency attached by ClinVar (database versions not stated): TOPMed 0.00003; ExAC 0.00004; gnomAD 0.00004; gnomAD exomes 0.00004.
gnomAD v4.1: 59 of 1,613,378 alleles (0.0037%); highest among the groups gnomAD compares: Non-Finnish European, 0.0049%; 1 homozygote.

Submissions (3):

Labcorp Genetics (formerly Invitae), Labcorp
Classification: Uncertain significance for MHC class II deficiency. Last evaluated: 2024-12-16. Review status: criteria provided, single submitter. Criteria: Invitae Variant Classification Sherloc (09022015). Collection method: clinical testing. Allele origin: germline.
Comment: This sequence change replaces histidine, which is basic and polar, with leucine, which is neutral and non-polar, at codon 278 of the RFX5 protein (p.His278Leu). This variant is present in population databases (rs769764756, gnomAD 0.007%). This variant has not been reported in the literature in individuals affected with RFX5-related conditions. ClinVar contains an entry for this variant (Variation ID: 839354). An algorithm developed to predict the effect of missense changes on protein structure and function (PolyPhen-2) suggests that this variant¬†is likely to be tolerated. In summary, the available evidence is currently insufficient to determine the role of this variant in disease. Therefore, it has been classified as a Variant of Uncertain Significance.

Ambry Genetics
Classification: Uncertain significance. Last evaluated: 2024-12-07. Review status: criteria provided, single submitter. Criteria: Ambry Variant Classification Scheme 2023. Collection method: clinical testing. Allele origin: germline.

Breakthrough Genomics
Classification: Uncertain significance. Review status: criteria provided, single submitter. Criteria: ACMG Guidelines, 2015. Collection method: not provided. Allele origin: germline. Inheritance: Autosomal recessive inheritance. Affected: yes.